The following is an entry in ClinVar:

NM_007272.3(CTRC):c.789C>G (p.Asn263Lys)

Gene: CTRC (chymotrypsin C; plus strand). Cytogenetic location: 1p36.21.
Variant type: single nucleotide variant.
Coding change: c.789C>G on transcript NM_007272.3 (MANE Select); coding-DNA position 789, C replaced by G.
Protein change: p.Asn263Lys; replaces asparagine 263 with lysine.
Molecular consequence: missense variant.
Genome position (GRCh38, 1-based): chr1:15,445,746, C>G. VCF-style: chr1-15445746-C-G. GRCh37 (hg19) VCF-style: chr1-15772241-C-G.
Other names: c.789C>G (NM_007272.2); short protein forms N263K.
Identifiers: ClinVar variation 3605820 (VCV003605820.3).

ClinVar aggregate classification (germline): Uncertain significance. Review status: criteria provided, multiple submitters, no conflicts (2 of 4 stars). 2 submissions from 2 submitters: Uncertain significance (2). Last evaluated 2026-05-14.

Conditions:
Hereditary pancreatitis (PCTT). Also called: Hereditary chronic pancreatitis; PRSS1-Related Hereditary Pancreatitis. Identifiers: Orphanet 676, MedGen C0238339, MONDO:0008185, OMIM 167800.

Submissions (2):

Ambry Genetics
Classification: Uncertain significance for Hereditary pancreatitis. Last evaluated: 2026-05-14. Review status: criteria provided, single submitter. Criteria: Ambry Variant Classification Scheme 2023. Collection method: clinical testing. Allele origin: germline.
Comment: The p.N263K variant (also known as c.789C>G), located in coding exon 7 of the CTRC gene, results from a C to G substitution at nucleotide position 789. The asparagine at codon 263 is replaced by lysine, an amino acid with similar properties. This amino acid position is conserved. In addition, this alteration is predicted to be tolerated by in silico analysis. Based on the available evidence, the clinical significance of this variant remains unclear.

Labcorp Genetics (formerly Invitae), Labcorp
Classification: Uncertain significance for Hereditary pancreatitis. Last evaluated: 2024-02-25. Review status: criteria provided, single submitter. Criteria: Invitae Variant Classification Sherloc (09022015). Collection method: clinical testing. Allele origin: germline.
Comment: This sequence change replaces asparagine, which is neutral and polar, with lysine, which is basic and polar, at codon 263 of the CTRC protein (p.Asn263Lys). This variant is not present in population databases (gnomAD no frequency). This variant has not been reported in the literature in individuals affected with CTRC-related conditions. Advanced modeling of protein sequence and biophysical properties (such as structural, functional, and spatial information, amino acid conservation, physicochemical variation, residue mobility, and thermodynamic stability) performed at Invitae indicates that this missense variant is not expected to disrupt CTRC protein function with a negative predictive value of 80%. In summary, the available evidence is currently insufficient to determine the role of this variant in disease. Therefore, it has been classified as a Variant of Uncertain Significance.